The following is an entry in ClinVar:

NM_004064.5(CDKN1B):c.293C>T (p.Ala98Val)

Gene: CDKN1B (cyclin dependent kinase inhibitor 1B; plus strand). Cytogenetic location: 12p13.1.
Variant type: single nucleotide variant.
Coding change: c.293C>T on transcript NM_004064.5 (MANE Select); coding-DNA position 293, C replaced by T.
Protein change: p.Ala98Val; replaces alanine 98 with valine.
Molecular consequence: missense variant.
Genome position (GRCh38, 1-based): chr12:12,718,132, C>T. VCF-style: chr12-12718132-C-T. GRCh37 (hg19) VCF-style: chr12-12871066-C-T.
Other names: c.293C>T (NM_004064.3); short protein forms A98V.
Identifiers: ClinVar variation 2144026 (VCV002144026.6), dbSNP rs1946494282, ClinGen allele CA383970088.

ClinVar aggregate classification (germline): Uncertain significance. Review status: criteria provided, multiple submitters, no conflicts (2 of 4 stars). 2 submissions from 2 submitters: Uncertain significance (2). Last evaluated 2024-07-25.

Conditions:
Multiple endocrine neoplasia type 4. Also called: MULTIPLE ENDOCRINE NEOPLASIA, TYPE IV. Identifiers: Orphanet 276152, MedGen C1970712, MONDO:0012552, OMIM 610755.
Hereditary cancer-predisposing syndrome. Also called: Neoplastic Syndromes, Hereditary; Hereditary neoplastic syndrome; Hereditary Cancer Syndrome; Tumor predisposition. Identifiers: Orphanet 140162, MedGen C0027672, MeSH D009386, MONDO:0015356.

Allele frequency attached by ClinVar (database versions not stated): gnomAD exomes below 0.00001; TOPMed below 0.00001.
gnomAD v4.1: 1 of 1,614,166 alleles (0.000062%); highest among the groups gnomAD compares: Non-Finnish European, 0.000085%; no homozygotes.

Submissions (2):

Labcorp Genetics (formerly Invitae), Labcorp
Classification: Uncertain significance for Multiple endocrine neoplasia type 4. Last evaluated: 2024-07-25. Review status: criteria provided, single submitter. Criteria: Invitae Variant Classification Sherloc (09022015). Collection method: clinical testing. Allele origin: germline.
Comment: This sequence change replaces alanine, which is neutral and non-polar, with valine, which is neutral and non-polar, at codon 98 of the CDKN1B protein (p.Ala98Val). This variant is not present in population databases (gnomAD no frequency). This variant has not been reported in the literature in individuals affected with CDKN1B-related conditions. ClinVar contains an entry for this variant (Variation ID: 2144026). An algorithm developed to predict the effect of missense changes on protein structure and function (PolyPhen-2) suggests that this variant is likely to be tolerated. In summary, the available evidence is currently insufficient to determine the role of this variant in disease. Therefore, it has been classified as a Variant of Uncertain Significance.

Ambry Genetics
Classification: Uncertain significance for Hereditary cancer-predisposing syndrome. Last evaluated: 2023-05-02. Review status: criteria provided, single submitter. Criteria: Ambry Variant Classification Scheme 2023. Collection method: clinical testing. Allele origin: germline.
Comment: The p.A98V variant (also known as c.293C>T), located in coding exon 1 of the CDKN1B gene, results from a C to T substitution at nucleotide position 293. The alanine at codon 98 is replaced by valine, an amino acid with similar properties. This amino acid position is conserved. In addition, this alteration is predicted to be tolerated by in silico analysis. Since supporting evidence is limited at this time, the clinical significance of this alteration remains unclear.